The following is an entry in ClinVar:

NM_198253.3(TERT):c.643G>C (p.Gly215Arg)

Gene: TERT (telomerase reverse transcriptase; minus strand). Cytogenetic location: 5p15.33.
Variant type: single nucleotide variant.
Coding change: c.643G>C on transcript NM_198253.3 (MANE Select); coding-DNA position 643, G replaced by C.
Protein change: p.Gly215Arg; replaces glycine 215 with arginine.
Molecular consequence: missense variant. On other transcripts: non-coding transcript variant (2).
Genome position (GRCh38, 1-based): chr5:1,294,243, C>G on the plus strand (G>C on the coding strand, the complement: TERT is on the minus strand). VCF-style: chr5-1294243-C-G. GRCh37 (hg19) VCF-style: chr5-1294358-C-G.
Other names: c.643G>C, p.Gly215Arg (NM_001193376.3, NM_003219.1); short protein forms G215R.
Identifiers: ClinVar variation 2953896 (VCV002953896.3), dbSNP rs1751223768, ClinGen allele CA359057116.

ClinVar aggregate classification (germline): Uncertain significance (1 of 4 stars; one submission).

Conditions:
Dyskeratosis congenita, autosomal dominant 2. Identifiers: MedGen C3151443, MONDO:0013521, OMIM 613989.
Idiopathic Pulmonary Fibrosis. Also called: Idiopathic fibrosing alveolitis, chronic form; idiopathic fibrosing alveolitis. Identifiers: Orphanet 2032, MedGen C1800706, MeSH D054990, MONDO:0800504.

Submission:

Labcorp Genetics (formerly Invitae), Labcorp
Classification: Uncertain significance for Dyskeratosis congenita, autosomal dominant 2; Idiopathic Pulmonary Fibrosis. Last evaluated: 2023-11-15. Review status: criteria provided, single submitter. Criteria: Invitae Variant Classification Sherloc (09022015). Collection method: clinical testing. Allele origin: germline.
Comment: This sequence change replaces glycine, which is neutral and non-polar, with arginine, which is basic and polar, at codon 215 of the TERT protein (p.Gly215Arg). This variant is not present in population databases (gnomAD no frequency). This variant has not been reported in the literature in individuals affected with TERT-related conditions. Advanced modeling of protein sequence and biophysical properties (such as structural, functional, and spatial information, amino acid conservation, physicochemical variation, residue mobility, and thermodynamic stability) performed at Invitae indicates that this missense variant is not expected to disrupt TERT protein function with a negative predictive value of 80%. In summary, the available evidence is currently insufficient to determine the role of this variant in disease. Therefore, it has been classified as a Variant of Uncertain Significance.